The following is an entry in ClinVar:

ClinVar aggregate classification (germline): Uncertain significance. Review status: criteria provided, multiple submitters, no conflicts (2 of 4 stars). 2 submissions from 2 submitters: Uncertain significance (2). Last evaluated 2022-04-12.

Conditions:
Orthostatic hypotension 1 (ORTHYP1). Also called: Orthostatic hypotension 1, due to DBH deficiency; NORADRENALINE DEFICIENCY; NOREPINEPHRINE DEFICIENCY; Dopamine beta-hydroxylase deficiency. Identifiers: Orphanet 230, MedGen C4746777, MONDO:0009123, OMIM 223360.
Inborn genetic diseases. Identifiers: MedGen C0950123, MeSH D030342.

Allele frequency attached by ClinVar (database versions not stated): gnomAD 0.00001; TOPMed 0.00001; ExAC 0.00002.
gnomAD v4.1: 11 of 1,613,200 alleles (0.00068%); highest among the groups gnomAD compares: South Asian, 0.0033%; no homozygotes.

Submissions (2):

Ambry Genetics
Classification: Uncertain significance for Inborn genetic diseases. Last evaluated: 2022-04-12. Review status: criteria provided, single submitter. Criteria: Ambry Variant Classification Scheme 2023. Collection method: clinical testing. Allele origin: germline.

Labcorp Genetics (formerly Invitae), Labcorp
Classification: Uncertain significance for Orthostatic hypotension 1. Last evaluated: 2022-03-26. Review status: criteria provided, single submitter. Criteria: Invitae Variant Classification Sherloc (09022015). Collection method: clinical testing. Allele origin: germline.
Comment: In summary, the available evidence is currently insufficient to determine the role of this variant in disease. Therefore, it has been classified as a Variant of Uncertain Significance. Algorithms developed to predict the effect of missense changes on protein structure and function are either unavailable or do not agree on the potential impact of this missense change (SIFT: "Deleterious"; PolyPhen-2: "Probably Damaging"; Align-GVGD: "Class C15"). This variant has not been reported in the literature in individuals affected with DBH-related conditions. This variant is present in population databases (rs775742672, gnomAD 0.006%). This sequence change replaces arginine, which is basic and polar, with tryptophan, which is neutral and slightly polar, at codon 473 of the DBH protein (p.Arg473Trp).

NM_000787.4(DBH):c.1417C>T (p.Arg473Trp)

Gene: DBH (dopamine beta-hydroxylase; plus strand). Cytogenetic location: 9q34.2.
Variant type: single nucleotide variant.
Coding change: c.1417C>T on transcript NM_000787.4 (MANE Select); coding-DNA position 1417, C replaced by T.
Protein change: p.Arg473Trp; replaces arginine 473 with tryptophan.
Molecular consequence: missense variant.
Genome position (GRCh38, 1-based): chr9:133,652,982, C>T. VCF-style: chr9-133652982-C-T. GRCh37 (hg19) VCF-style: chr9-136518104-C-T.
Other names: c.1417C>T (NM_000787.3); short protein forms R473W.
Identifiers: ClinVar variation 2355371 (VCV002355371.8), dbSNP rs775742672, ClinGen allele CA5313508.
Genomic context (GRCh38, chr9:133,652,982, plus strand): 5'-ACATTGGCTTTTCCTCAGGGAGATGTGCTCATCACCTCCTGCACGTACAACACAGAAGAC[C>T]GGGAGCTGGCCACAGTGGTAAGTCACCCCCGCTTCCCCCTGCACCTGCCCAGGGCGAGTG-3'
Protein context (NP_000778.3, residues 463-483): ITSCTYNTED[Arg473Trp]ELATVGGFGI